The following is an entry in ClinVar:

NM_000246.4(CIITA):c.802_803dup (p.Pro269fs)

Gene: CIITA (class II major histocompatibility complex transactivator; plus strand). Cytogenetic location: 16p13.13.
Variant type: Duplication.
Coding change: c.802_803dup on transcript NM_000246.4 (MANE Select); coding-DNA positions 802 to 803, 2 bases duplicated (CC; older notation c.802_803dupCC).
Protein change: p.Pro269fs; shifts the reading frame from proline 269.
Molecular consequence: frameshift variant. On other transcripts: non-coding transcript variant (1).
Genome position (GRCh38, 1-based): chr16:10,903,760-10,903,761, CC duplicated; duplicating any 2 consecutive bases within chr16:10,903,757-10,903,761 gives the same sequence; the c. name uses the placement nearest the transcript's 3' end. VCF-style (leftmost placement, unchanged base first): chr16-10903756-A-ACC. GRCh37 (hg19) VCF-style: chr16-10997613-A-ACC.
Other names: c.805_806dup, p.Pro270fs (NM_001286402.1, NM_001379332.1); c.655_656dup, p.Pro220fs (NM_001286403.2, NM_001379331.1); c.658_659dup, p.Pro221fs (NM_001379330.1); c.802_803dup, p.Pro269fs (NM_001379333.1); c.733_734dup, p.Pro246fs (NM_001379334.1); short protein forms P220fs, P269fs, P246fs, P221fs, P270fs.
Identifiers: ClinVar variation 1458041 (VCV001458041.6), dbSNP rs2144614170, ClinGen allele CA2573151844.

ClinVar aggregate classification (germline): Pathogenic (1 of 4 stars; one submission).

Conditions:
MHC class II deficiency. Also called: BLS, TYPE II; Bare lymphocyte syndrome 2. Identifiers: Orphanet 572, MedGen C5447452, MONDO:0008855.

Submission:

Labcorp Genetics (formerly Invitae), Labcorp
Classification: Pathogenic for MHC class II deficiency. Last evaluated: 2021-04-30. Review status: criteria provided, single submitter. Criteria: Invitae Variant Classification Sherloc (09022015). Collection method: clinical testing. Allele origin: germline.
Comment: This variant has not been reported in the literature in individuals with CIITA-related conditions. For these reasons, this variant has been classified as Pathogenic. This variant is not present in population databases (ExAC no frequency). This sequence change creates a premature translational stop signal (p.Pro269Leufs*38) in the CIITA gene. It is expected to result in an absent or disrupted protein product. Loss-of-function variants in CIITA are known to be pathogenic (PMID: 8402893, 9099848, 26271388).

Literature cited by the submitters: PubMed 8402893; PubMed 9099848; PubMed 26271388.